The following is an entry in ClinVar:

ClinVar aggregate classification (germline): Benign. Review status: criteria provided, multiple submitters, no conflicts (2 of 4 stars). 3 submissions from 2 submitters: Benign (3). Last evaluated 2018-01-13.

Conditions:
Dilated cardiomyopathy 1U. Identifiers: Orphanet 154, MedGen C3160720, MONDO:0013371, OMIM 613694.
Alzheimer disease 3 (AD3). Also called: ALZHEIMER DISEASE, FAMILIAL, 3. Identifiers: Orphanet 1020, MedGen C1843013, MONDO:0011913, OMIM 607822.

Allele frequency attached by ClinVar (database versions not stated): gnomAD 0.05717 and 0.05780; TOPMed 0.06365; 1000 Genomes Project 30x 0.07589; 1000 Genomes Project 0.07887.

Submissions (3):

Illumina Laboratory Services, Illumina
Classification: Benign for Alzheimer disease 3. Last evaluated: 2018-01-13. Review status: criteria provided, single submitter. Criteria: ICSL Variant Classification Criteria 13 December 2019. Collection method: clinical testing. Allele origin: germline.
Comment: This variant was observed in the ICSL laboratory as part of a predisposition screen in an ostensibly healthy population. It had not been previously curated by ICSL or reported in the Human Gene Mutation Database (HGMD: prior to June 1st, 2018), and was therefore a candidate for classification through an automated scoring system. Utilizing variant allele frequency, disease prevalence and penetrance estimates, and inheritance mode, an automated score was calculated to assess if this variant is too frequent to cause the disease. Based on the score and internal cut-off values, a variant classified as benign is not then subjected to further curation. The score for this variant resulted in a classification of benign for this disease.

Illumina Laboratory Services, Illumina
Classification: Benign for Dilated cardiomyopathy 1U. Last evaluated: 2018-01-13. Review status: criteria provided, single submitter. Criteria: ICSL Variant Classification Criteria 13 December 2019. Collection method: clinical testing. Allele origin: germline.
Comment: the same text as in the submission from Illumina Laboratory Services, Illumina above.

Breakthrough Genomics
Classification: Benign. Review status: criteria provided, single submitter. Criteria: ACMG Guidelines, 2015. Collection method: not provided. Allele origin: germline. Inheritance: Autosomal dominant inheritance. Affected: yes.

NM_000021.4(PSEN1):c.*2864A>C

Gene: PSEN1 (presenilin 1; plus strand). Cytogenetic location: 14q24.2.
Variant type: single nucleotide variant.
Coding change: c.*2864A>C on transcript NM_000021.4 (MANE Select); 2864 bases downstream of the stop codon, A replaced by C.
Molecular consequence: 3 prime UTR variant.
Genome position (GRCh38, 1-based): chr14:73,222,153, A>C. VCF-style: chr14-73222153-A-C. GRCh37 (hg19) VCF-style: chr14-73688861-A-C.
Other names: c.*2864A>C (NM_007318.3).
Identifiers: ClinVar variation 313990 (VCV000313990.6), dbSNP rs362389, ClinGen allele CA10645873.